The following is an entry in ClinVar:

NM_024422.6(DSC2):c.2590T>C (p.Ser864Pro)

Gene: DSC2 (desmocollin 2; minus strand). Cytogenetic location: 18q12.1.
Variant type: single nucleotide variant.
Coding change: c.2590T>C on transcript NM_024422.6 (MANE Select); coding-DNA position 2590, T replaced by C.
Protein change: p.Ser864Pro; replaces serine 864 with proline.
Molecular consequence: missense variant. On other transcripts: 3 prime UTR variant (2).
Genome position (GRCh38, 1-based): chr18:31,068,131, A>G on the plus strand (T>C on the coding strand, the complement: DSC2 is on the minus strand). VCF-style: chr18-31068131-A-G. GRCh37 (hg19) VCF-style: chr18-28648097-A-G.
Other names: c.2161T>C, p.Ser721Pro (NM_001406506.1); c.*92T>C (NM_001406507.1, NM_004949.5); short protein forms S721P, S864P.
Identifiers: ClinVar variation 4756199 (VCV004756199.1).
Genomic context (GRCh38, chr18:31,068,131, plus strand): 5'-AAAATTCAAGCCCATCTTCTTCTTGTCGTTCACTGCAACAACCTACAGACCCAGCCACCG[A>G]TCCTCTTCCTTCATAGTTATATGTCAGGACATAGTCTTGGGCATGCTTGTGATTTTCATC-3'
Protein context (NP_077740.1, residues 854-874): VLTYNYEGRG[Ser864Pro]VAGSVGCCSE

ClinVar aggregate classification (germline): Uncertain significance (1 of 4 stars; one submission).

Conditions:
Cardiomyopathy (CMYO). Also called: Cardiomyopathies. Identifiers: Orphanet 167848, MedGen C0878544, MONDO:0004994, HP:0001638. Inheritance: Various modes of inheritance.

gnomAD v4.1: 2 of 1,613,976 alleles (0.00012%); highest among the groups gnomAD compares: East Asian, 0.0045%; no homozygotes.

Submission:

Color Diagnostics, LLC DBA Color Health
Classification: Uncertain significance for Cardiomyopathy. Last evaluated: 2025-08-10. Review status: criteria provided, single submitter. Criteria: ACMG Guidelines, 2015. Collection method: clinical testing. Allele origin: germline.
Comment: This missense variant replaces serine with proline at codon 864 of the DSC2 protein. Computational prediction suggests that this variant may have deleterious impact on protein structure and function. To our knowledge, functional studies have not been reported for this variant. This variant has not been reported in individuals affected with DSC2-related disorders in the literature. This variant has been identified in 3/251106 chromosomes in the general population by the Genome Aggregation Database (gnomAD). The available evidence is insufficient to determine the role of this variant in disease conclusively. Therefore, this variant is classified as a Variant of Uncertain Significance.